The following is an entry in ClinVar:

ClinVar aggregate classification (germline): Benign. Review status: criteria provided, multiple submitters, no conflicts (2 of 4 stars). 5 submissions from 5 submitters: Benign (5). Last evaluated 2026-02-03.

Conditions:
Congenital glucose-galactose malabsorption (GGM). Also called: MONOSACCHARIDE MALABSORPTION; DIARRHEA 16. Identifiers: Orphanet 35710, MedGen C0268186, MONDO:0011731, OMIM 606824.

Allele frequency attached by ClinVar (database versions not stated): 1000 Genomes Project 0.02216; 1000 Genomes Project 30x 0.02405; TOPMed 0.04282; gnomAD 0.04533 and 0.04554; gnomAD exomes 0.04848 and 0.06808; ExAC 0.05001; ESP Exome Variant Server 0.05098.
gnomAD v4.1: 105,714 of 1,613,342 alleles (6.6%); highest among the groups gnomAD compares: Non-Finnish European, 7.7%; 3,936 homozygotes.

Submissions (5):

Labcorp Genetics (formerly Invitae), Labcorp
Classification: Benign for Congenital glucose-galactose malabsorption. Last evaluated: 2026-02-03. Review status: criteria provided, single submitter. Criteria: Invitae Variant Classification Sherloc (09022015). Collection method: clinical testing. Allele origin: germline.

Mayo Clinic Laboratories, Mayo Clinic
Classification: Benign. Last evaluated: 2023-10-20. Review status: criteria provided, single submitter. Criteria: ACMG Guidelines, 2015. Collection method: clinical testing. Allele origin: germline. Observed: 17 variant alleles.

Illumina Laboratory Services, Illumina
Classification: Benign for Congenital glucose-galactose malabsorption. Last evaluated: 2018-01-12. Review status: criteria provided, single submitter. Criteria: ICSL Variant Classification Criteria 13 December 2019. Collection method: clinical testing. Allele origin: germline.
Comment: This variant was observed in the ICSL laboratory as part of a predisposition screen in an ostensibly healthy population. It had not been previously curated by ICSL or reported in the Human Gene Mutation Database (HGMD: prior to June 1st, 2018), and was therefore a candidate for classification through an automated scoring system. Utilizing variant allele frequency, disease prevalence and penetrance estimates, and inheritance mode, an automated score was calculated to assess if this variant is too frequent to cause the disease. Based on the score and internal cut-off values, a variant classified as benign is not then subjected to further curation. The score for this variant resulted in a classification of benign for this disease.

Laboratory for Molecular Medicine, Mass General Brigham Personalized Medicine
Classification: Benign. Last evaluated: 2016-03-28. Review status: criteria provided, single submitter. Criteria: LMM Criteria. Collection method: clinical testing. Allele origin: germline.
Comment: Variant identified in a genome or exome case(s) and assessed due to predicted null impact of the variant or pathogenic assertions in the literature or databases. Disclaimer: This variant has not undergone full assessment. The following are preliminary notes: MAF

Breakthrough Genomics
Classification: Benign. Review status: criteria provided, single submitter. Criteria: ACMG Guidelines, 2015. Collection method: not provided. Allele origin: germline. Inheritance: Autosomal recessive inheritance. Affected: yes.

NM_000343.4(SLC5A1):c.1836A>G (p.Leu612=)

Gene: SLC5A1 (solute carrier family 5 member 1; plus strand). Cytogenetic location: 22q12.3.
Variant type: single nucleotide variant.
Coding change: c.1836A>G on transcript NM_000343.4 (MANE Select); coding-DNA position 1836, A replaced by G.
Protein change: p.Leu612=; no amino-acid change (leucine 612 retained).
Molecular consequence: synonymous variant.
Genome position (GRCh38, 1-based): chr22:32,110,054, A>G. VCF-style: chr22-32110054-A-G. GRCh37 (hg19) VCF-style: chr22-32506041-A-G.
Other names: p.Leu612=; c.1455A>G, p.Leu485= (NM_001256314.2).
Identifiers: ClinVar variation 341262 (VCV000341262.18), dbSNP rs17683704, ClinGen allele CA10198346.
Genomic context (GRCh38, chr22:32,110,054, plus strand): 5'-ACAAGTTCCTGAGAAGAAAAAAGGAATCTTCAGGAGAGCCTATGACCTATTTTGTGGGCT[A>G]GAGCAGCACGGTGCACCCAAGATGACTGAGGAAGAGGAGAAAGCCATGAAGATGAAGATG-3'
Protein context (NP_000334.1, residues 602-622): FRRAYDLFCG[Leu612=]EQHGAPKMTE